The following is an entry in ClinVar:

NM_001364905.1(LRBA):c.1516A>T (p.Met506Leu)

Gene: LRBA (LPS responsive beige-like anchor protein; minus strand). Cytogenetic location: 4q31.3.
Variant type: single nucleotide variant.
Coding change: c.1516A>T on transcript NM_001364905.1 (MANE Select); coding-DNA position 1516, A replaced by T.
Protein change: p.Met506Leu; replaces methionine 506 with leucine.
Molecular consequence: missense variant.
Genome position (GRCh38, 1-based): chr4:150,906,383, T>A on the plus strand (A>T on the coding strand, the complement: LRBA is on the minus strand). VCF-style: chr4-150906383-T-A. GRCh37 (hg19) VCF-style: chr4-151827535-T-A.
Other names: c.1516A>T, p.Met506Leu (NM_001199282.3, NM_001367550.1, NM_006726.5); short protein forms M506L.
Identifiers: ClinVar variation 2144195 (VCV002144195.2), dbSNP rs2546641240, ClinGen allele CA358432004.

ClinVar aggregate classification (germline): Uncertain significance (1 of 4 stars; one submission).

Conditions:
Combined immunodeficiency due to LRBA deficiency. Also called: Common variable immunodeficiency 8, with autoimmunity. Identifiers: Orphanet 445018, MedGen C3553512, MONDO:0013863, OMIM 614700.

Submission:

Labcorp Genetics (formerly Invitae), Labcorp
Classification: Uncertain significance for Combined immunodeficiency due to LRBA deficiency. Last evaluated: 2022-06-22. Review status: criteria provided, single submitter. Criteria: Invitae Variant Classification Sherloc (09022015). Collection method: clinical testing. Allele origin: germline.
Comment: In summary, the available evidence is currently insufficient to determine the role of this variant in disease. Therefore, it has been classified as a Variant of Uncertain Significance. Algorithms developed to predict the effect of missense changes on protein structure and function (SIFT, PolyPhen-2, Align-GVGD) all suggest that this variant is likely to be tolerated. This variant has not been reported in the literature in individuals affected with LRBA-related conditions. This variant is not present in population databases (gnomAD no frequency). This sequence change replaces methionine, which is neutral and non-polar, with leucine, which is neutral and non-polar, at codon 506 of the LRBA protein (p.Met506Leu).